The following is an entry in ClinVar:

ClinVar aggregate classification (germline): Uncertain significance (1 of 4 stars; one submission).

gnomAD v4.1: 1 of 1,614,060 alleles (0.000062%); highest among the groups gnomAD compares: African/African-American, 0.0013%; no homozygotes.

Submission:

GeneDx
Classification: Uncertain significance. Last evaluated: 2024-08-07. Review status: criteria provided, single submitter. Criteria: GeneDx Variant Classification Process June 2021. Collection method: clinical testing. Allele origin: germline. Affected: yes.
Comment: Not observed at significant frequency in large population cohorts (gnomAD); In silico analysis indicates that this missense variant does not alter protein structure/function; Has not been previously published as pathogenic or benign to our knowledge

NM_001348323.3(TRIP12):c.4466G>A (p.Gly1489Asp)

Gene: TRIP12 (thyroid hormone receptor interactor 12; minus strand). Cytogenetic location: 2q36.3.
Variant type: single nucleotide variant.
Coding change: c.4466G>A on transcript NM_001348323.3 (MANE Select); coding-DNA position 4466, G replaced by A.
Protein change: p.Gly1489Asp; replaces glycine 1489 with aspartic acid.
Molecular consequence: missense variant.
Genome position (GRCh38, 1-based): chr2:229,791,201, C>T on the plus strand (G>A on the coding strand, the complement: TRIP12 is on the minus strand). VCF-style: chr2-229791201-C-T. GRCh37 (hg19) VCF-style: chr2-230655917-C-T.
Other names: c.4385G>A, p.Gly1462Asp (NM_001284214.2, NM_001348315.2); c.4340G>A, p.Gly1447Asp (NM_001284215.2, NM_001348316.2); c.3431G>A, p.Gly1144Asp (NM_001284216.2); c.4325G>A, p.Gly1442Asp (NM_001348317.1, NM_001348318.2); c.4451G>A, p.Gly1484Asp (NM_001348319.1, NM_001348320.2); c.4454G>A, p.Gly1485Asp (NM_001348321.1); c.4466G>A, p.Gly1489Asp (NM_001348322.1, NM_001348324.2, NM_001348325.2 and 2 more transcripts); c.4469G>A, p.Gly1490Asp (NM_001348328.1, NM_001348329.2, NM_001348330.2); and 4 more; short protein forms G1144D, G1414D, G1415D, G1442D, G1447D, G1455D, G1462D, G1463D.
Identifiers: ClinVar variation 3603218 (VCV003603218.1).